The following is an entry in ClinVar:

NM_004092.3(ECHS1):c.-22C>T

Genes: ECHS1 (enoyl-CoA hydratase, short chain 1; minus strand), LOC130005023 (ATAC-STARR-seq lymphoblastoid silent region 2977; plus strand). Cytogenetic location: 10q26.3.
Variant type: single nucleotide variant.
Coding change: c.-22C>T on transcript NM_004092.3; 22 bases upstream of the start codon, C replaced by T.
Genome position (GRCh38, 1-based): chr10:133,373,355, G>A on the plus strand (C>T on the coding strand, the complement: ECHS1 is on the minus strand). VCF-style: chr10-133373355-G-A. GRCh37 (hg19) VCF-style: chr10-135186859-G-A.
Identifiers: ClinVar variation 387628 (VCV000387628.3), dbSNP rs778498370, ClinGen allele CA16605847.

ClinVar aggregate classification (germline): Likely benign (1 of 4 stars; one submission).

Allele frequency attached by ClinVar (database versions not stated): 1000 Genomes Project 30x 0.00016.

Submission:

GeneDx
Classification: Likely benign. Last evaluated: 2016-07-18. Review status: criteria provided, single submitter. Criteria: GeneDx Variant Classification (06012015). Collection method: clinical testing. Allele origin: germline. Affected: yes.
Comment: This variant is considered likely benign or benign based on one or more of the following criteria: it is a conservative change, it occurs at a poorly conserved position in the protein, it is predicted to be benign by multiple in silico algorithms, and/or has population frequency not consistent with disease.